The following is an entry in ClinVar:

NM_001369.3(DNAH5):c.8369A>G (p.Tyr2790Cys)

Gene: DNAH5 (dynein axonemal heavy chain 5; minus strand). Cytogenetic location: 5p15.2.
Variant type: single nucleotide variant.
Coding change: c.8369A>G on transcript NM_001369.3 (MANE Select); coding-DNA position 8369, A replaced by G.
Protein change: p.Tyr2790Cys; replaces tyrosine 2790 with cysteine.
Molecular consequence: missense variant.
Genome position (GRCh38, 1-based): chr5:13,792,073, T>C on the plus strand (A>G on the coding strand, the complement: DNAH5 is on the minus strand). VCF-style: chr5-13792073-T-C. GRCh37 (hg19) VCF-style: chr5-13792182-T-C.
Other names: short protein forms Y2790C.
Identifiers: ClinVar variation 3704233 (VCV003704233.2).

ClinVar aggregate classification (germline): Uncertain significance (1 of 4 stars; one submission).

Conditions:
Primary ciliary dyskinesia. Also called: Ciliary dyskinesia. Identifiers: Orphanet 244, MedGen C0008780, MONDO:0016575, HP:0012265.

gnomAD v4.1: 6 of 1,613,980 alleles (0.00037%); highest among the groups gnomAD compares: Non-Finnish European, 0.00051%; no homozygotes.

Submission:

Labcorp Genetics (formerly Invitae), Labcorp
Classification: Uncertain significance for Primary ciliary dyskinesia. Last evaluated: 2024-03-03. Review status: criteria provided, single submitter. Criteria: Invitae Variant Classification Sherloc (09022015). Collection method: clinical testing. Allele origin: germline.
Comment: This sequence change replaces tyrosine, which is neutral and polar, with cysteine, which is neutral and slightly polar, at codon 2790 of the DNAH5 protein (p.Tyr2790Cys). This variant is present in population databases (rs762235569, gnomAD 0.002%). This variant has not been reported in the literature in individuals affected with DNAH5-related conditions. Advanced modeling of protein sequence and biophysical properties (such as structural, functional, and spatial information, amino acid conservation, physicochemical variation, residue mobility, and thermodynamic stability) performed at Invitae indicates that this missense variant is expected to disrupt DNAH5 protein function with a positive predictive value of 80%. In summary, the available evidence is currently insufficient to determine the role of this variant in disease. Therefore, it has been classified as a Variant of Uncertain Significance.